The following is an entry in ClinVar:

NM_024675.4(PALB2):c.3295_3310delinsCGTGGT (p.Thr1099fs)

Gene: PALB2 (partner and localizer of BRCA2; minus strand). Cytogenetic location: 16p12.2.
Variant type: Indel.
Coding change: c.3295_3310delinsCGTGGT on transcript NM_024675.4 (MANE Select); coding-DNA positions 3295 to 3310, ACGACTCTCAGCGTGG replaced by CGTGGT.
Protein change: p.Thr1099fs; shifts the reading frame from threonine 1099.
Molecular consequence: frameshift variant.
Genome position (GRCh38, 1-based): chr16:23,607,904-23,607,919, CCACGCTGAGAGTCGT replaced by ACCACG on the plus strand (ACGACTCTCAGCGTGG replaced by CGTGGT on the coding strand, the reverse complement: PALB2 is on the minus strand). VCF-style: chr16-23607904-CCACGCTGAGAGTCGT-ACCACG. GRCh37 (hg19) VCF-style: chr16-23619225-CCACGCTGAGAGTCGT-ACCACG.
Other names: short protein forms T1099fs.
Identifiers: ClinVar variation 927179 (VCV000927179.10), dbSNP rs1966506715, ClinGen allele CA913188703.

ClinVar aggregate classification (germline): Pathogenic. Review status: criteria provided, multiple submitters, no conflicts (2 of 4 stars). 2 submissions from 2 submitters: Pathogenic (2). Last evaluated 2020-01-15.

Conditions:
Hereditary cancer-predisposing syndrome. Also called: Neoplastic Syndromes, Hereditary; Hereditary Cancer Syndrome; Tumor predisposition; Hereditary neoplastic syndrome. Identifiers: Orphanet 140162, MedGen C0027672, MeSH D009386, MONDO:0015356.
Familial cancer of breast. Also called: Hereditary breast cancer; BREAST CANCER, FAMILIAL; hereditary breast carcinoma. Identifiers: Orphanet 227535, MedGen C0346153, MONDO:0016419, OMIM 114480. Disease mechanism: loss of function.

Submissions (2):

Color Diagnostics, LLC DBA Color Health
Classification: Pathogenic for Hereditary cancer-predisposing syndrome. Last evaluated: 2020-01-15. Review status: criteria provided, single submitter. Criteria: ACMG Guidelines, 2015. Collection method: clinical testing. Allele origin: germline.
Comment: This variant is located in the PALB2 protein. Splice site prediction tools suggest that this variant may not impact RNA splicing. This variant has not been identified in the general population by the Genome Aggregation Database (gnomAD). Loss of PALB2 function is a known mechanism of disease. Based on the available evidence, this variant is classified as Pathogenic.

Labcorp Genetics (formerly Invitae), Labcorp
Classification: Pathogenic for Familial cancer of breast. Last evaluated: 2019-10-30. Review status: criteria provided, single submitter. Criteria: Invitae Variant Classification Sherloc (09022015). Collection method: clinical testing. Allele origin: germline.
Comment: For these reasons, this variant has been classified as Pathogenic. This variant disrupts the C-terminus of the PALB2 protein. Other variant(s) that disrupt this region (p.Tyr1183*) have been determined to be pathogenic (PMID: 17200668, 17200671, 24949998, 21365267, 22241545, 19609323, 17200671). This suggests that variants that disrupt this region of the protein are likely to be causative of disease. This sequence change results in a premature translational stop signal in the PALB2 gene (p.Thr1099Argfs*4). While this is not anticipated to result in nonsense mediated decay, it is expected to disrupt the last 88 amino acids of the PALB2 protein. This variant is not present in population databases (ExAC no frequency). This variant has not been reported in the literature in individuals with PALB2-related conditions.

Literature cited by the submitters: PubMed 17200668 (cited by Labcorp Genetics (formerly Invitae), Labcorp); PubMed 17200671 (cited by Labcorp Genetics (formerly Invitae), Labcorp); PubMed 24949998 (cited by Labcorp Genetics (formerly Invitae), Labcorp); PubMed 21365267 (cited by Labcorp Genetics (formerly Invitae), Labcorp); PubMed 22241545 (cited by Labcorp Genetics (formerly Invitae), Labcorp); PubMed 19609323 (cited by Labcorp Genetics (formerly Invitae), Labcorp).